The following is an entry in ClinVar:

NM_004568.6(SERPINB6):c.378C>T (p.Ala126=)

Gene: SERPINB6 (serpin family B member 6; minus strand). Cytogenetic location: 6p25.2.
Variant type: single nucleotide variant.
Coding change: c.378C>T on transcript NM_004568.6 (MANE Select); coding-DNA position 378, C replaced by T.
Protein change: p.Ala126=; no amino-acid change (alanine 126 retained).
Molecular consequence: synonymous variant. On other transcripts: non-coding transcript variant (1).
Genome position (GRCh38, 1-based): chr6:2,954,644, G>A on the plus strand (C>T on the coding strand, the complement: SERPINB6 is on the minus strand). VCF-style: chr6-2954644-G-A. GRCh37 (hg19) VCF-style: chr6-2954878-G-A.
Other names: c.390C>T, p.Ala130= (NM_001195291.3, NM_001374515.1); c.420C>T, p.Ala140= (NM_001271822.2); c.435C>T, p.Ala145= (NM_001271823.2); c.378C>T, p.Ala126= (NM_001271824.2, NM_001271825.2, NM_001297699.2 and 2 more transcripts); c.246C>T, p.Ala82= (NM_001374517.1).
Identifiers: ClinVar variation 504953 (VCV000504953.6), dbSNP rs752725436, ClinGen allele CA3617568.

ClinVar aggregate classification (germline): Likely benign. Review status: criteria provided, multiple submitters, no conflicts (2 of 4 stars). 3 submissions from 3 submitters: Likely benign (3). Last evaluated 2023-09-14.

Allele frequency attached by ClinVar (database versions not stated): ExAC 0.00002; gnomAD exomes 0.00002 and 0.00003; TOPMed 0.00002; gnomAD 0.00003 and 0.00004.
gnomAD v4.1: 42 of 1,613,744 alleles (0.0026%); highest among the groups gnomAD compares: East Asian, 0.0067%; no homozygotes.

Submissions (3):

Blueprint Genetics
Classification: Likely benign. Last evaluated: 2023-09-14. Review status: criteria provided, single submitter. Criteria: ACMG Guidelines, 2015. Collection method: clinical testing. Allele origin: germline.

GeneDx
Classification: Likely benign. Last evaluated: 2017-11-29. Review status: criteria provided, single submitter. Criteria: GeneDx Variant Classification (06012015). Collection method: clinical testing. Allele origin: germline. Affected: yes.
Comment: This variant is considered likely benign or benign based on one or more of the following criteria: it is a conservative change, it occurs at a poorly conserved position in the protein, it is predicted to be benign by multiple in silico algorithms, and/or has population frequency not consistent with disease.

Laboratory for Molecular Medicine, Mass General Brigham Personalized Medicine
Classification: Likely benign. Last evaluated: 2016-05-05. Review status: criteria provided, single submitter. Criteria: LMM Criteria. Collection method: clinical testing. Allele origin: germline. Observed: 1 variant allele.
Comment: p.Ala126Ala in exon 4C of SERPINB6: This variant is not expected to have clinic al significance because it does not alter an amino acid residue and it is not lo cated within the splice consensus sequence. It has been identified in 2/11576 L atino chromosomes by the Exome Aggregation Consortium (ExAC; dbSNP rs752725436).